The following is an entry in ClinVar:

ClinVar aggregate classification (germline): Uncertain significance (1 of 4 stars; one submission).

Allele frequency attached by ClinVar (database versions not stated): gnomAD exomes below 0.00001 and 0.00001.
gnomAD v4.1: 3 of 1,611,588 alleles (0.00019%); highest among the groups gnomAD compares: Non-Finnish European, 0.00025%; no homozygotes.

Submission:

Labcorp Genetics (formerly Invitae), Labcorp
Classification: Uncertain significance. Last evaluated: 2025-01-13. Review status: criteria provided, single submitter. Criteria: Invitae Variant Classification Sherloc (09022015). Collection method: clinical testing. Allele origin: germline.
Comment: This sequence change replaces proline, which is neutral and non-polar, with arginine, which is basic and polar, at codon 525 of the HELLS protein (p.Pro525Arg). This variant is present in population databases (no rsID available, gnomAD 0.0009%). This variant has not been reported in the literature in individuals affected with HELLS-related conditions. ClinVar contains an entry for this variant (Variation ID: 1479909). An algorithm developed to predict the effect of missense changes on protein structure and function (PolyPhen-2) suggests that this variant is likely to be tolerated. In summary, the available evidence is currently insufficient to determine the role of this variant in disease. Therefore, it has been classified as a Variant of Uncertain Significance.

NM_018063.5(HELLS):c.1574C>G (p.Pro525Arg)

Gene: HELLS (helicase, lymphoid specific; plus strand). Cytogenetic location: 10q23.33.
Variant type: single nucleotide variant.
Coding change: c.1574C>G on transcript NM_018063.5 (MANE Select); coding-DNA position 1574, C replaced by G.
Protein change: p.Pro525Arg; replaces proline 525 with arginine.
Molecular consequence: missense variant.
Genome position (GRCh38, 1-based): chr10:94,590,498, C>G. VCF-style: chr10-94590498-C-G. GRCh37 (hg19) VCF-style: chr10-96350255-C-G.
Other names: c.1712C>G, p.Pro571Arg (NM_001289067.2); c.1526C>G, p.Pro509Arg (NM_001289068.2); c.1478C>G, p.Pro493Arg (NM_001289069.2); c.1280C>G, p.Pro427Arg (NM_001289070.2); c.1202C>G, p.Pro401Arg (NM_001289071.2); c.1184C>G, p.Pro395Arg (NM_001289072.2); c.1160C>G, p.Pro387Arg (NM_001289073.2); c.491C>G, p.Pro164Arg (NM_001289074.2); and 1 more; short protein forms P387R, P427R, P509R, P525R, P395R, P401R, P493R, P119R.
Identifiers: ClinVar variation 1479909 (VCV001479909.6), dbSNP rs1300735603, ClinGen allele CA377665771.